The following is an entry in ClinVar:

NM_000535.7(PMS2):c.1968A>C (p.Glu656Asp)

Gene: PMS2 (PMS1 homolog 2, mismatch repair system component; minus strand). Cytogenetic location: 7p22.1.
Variant type: single nucleotide variant.
Coding change: c.1968A>C on transcript NM_000535.7 (MANE Select); coding-DNA position 1968, A replaced by C.
Protein change: p.Glu656Asp; replaces glutamic acid 656 with aspartic acid.
Molecular consequence: missense variant. On other transcripts: non-coding transcript variant (1), intron variant (1).
Genome position (GRCh38, 1-based): chr7:5,986,797, T>G on the plus strand (A>C on the coding strand, the complement: PMS2 is on the minus strand). VCF-style: chr7-5986797-T-G. GRCh37 (hg19) VCF-style: chr7-6026428-T-G.
Other names: c.1494A>C, p.Glu498Asp (NM_001406901.1, NM_001406902.1); c.1650A>C, p.Glu550Asp (NM_001406903.1, NM_001406883.1, NM_001322007.2 and 2 more transcripts); c.1455A>C, p.Glu485Asp (NM_001406904.1, NM_001406905.1); c.1407A>C, p.Glu469Asp (NM_001406906.1, NM_001406907.1, NM_001322010.2); c.1563A>C, p.Glu521Asp (NM_001406908.1, NM_001406910.1, NM_001406887.1 and 16 more transcripts); c.1395A>C, p.Glu465Asp (NM_001406909.1, NM_001322013.2); c.1197A>C, p.Glu399Asp (NM_001406911.1); c.804-3806A>C (NM_001406912.1); and 13 more; short protein forms E345D, E399D, E465D, E469D, E485D, E498D, E501D, E521D.
Identifiers: ClinVar variation 4885050 (VCV004885050.2).

ClinVar aggregate classification (germline): Uncertain significance (1 of 4 stars; one submission).

Submission:

Dasa
Classification: Uncertain significance. Last evaluated: 2025-11-19. Review status: criteria provided, single submitter. Criteria: DASA Assertion Criteria. Collection method: clinical testing. Allele origin: germline.
Comment: NM_000535.7(PMS2):c.1968A>C (p.Glu656Asp) is a missense variant that results in the substitution of glutamic acid with aspartic acid. This variant is absent from population databases. Computational prediction algorithms are consistent with a benign effect. The currently available literature and clinical evidence are not sufficient to establish a definitive association between this variant and the reported condition. Therefore, this variant is classified as a variant of uncertain significance.